The following is an entry in ClinVar:

NM_024589.3(ROGDI):c.63G>C (p.Trp21Cys)

Gene: ROGDI (rogdi atypical leucine zipper; minus strand). Cytogenetic location: 16p13.3.
Variant type: single nucleotide variant.
Coding change: c.63G>C on transcript NM_024589.3 (MANE Select); coding-DNA position 63, G replaced by C.
Protein change: p.Trp21Cys; replaces tryptophan 21 with cysteine.
Molecular consequence: missense variant. On other transcripts: non-coding transcript variant (1).
Genome position (GRCh38, 1-based): chr16:4,802,436, C>G on the plus strand (G>C on the coding strand, the complement: ROGDI is on the minus strand). VCF-style: chr16-4802436-C-G. GRCh37 (hg19) VCF-style: chr16-4852437-C-G.
Other names: short protein forms W21C.
Identifiers: ClinVar variation 1045395 (VCV001045395.8), dbSNP rs1335552191, ClinGen allele CA394656636.
Genomic context (GRCh38, chr16:4,802,436, plus strand): 5'-CGTTACCTTGAGGATGTCCTGCAGCTGCTTCAACACAGCGTGCACCTCGTCGTGCAGCAG[C>G]CAGCGGAACTCCTCCTCCTGCGGGACAGACCCGGCGGTCGCGCCCGGCCCCGCCGCCCCG-3'
Protein context (NP_078865.1, residues 11-31): ERAVLEEEFR[Trp21Cys]LLHDEVHAVL

ClinVar aggregate classification (germline): Uncertain significance (1 of 4 stars; one submission).

Conditions:
Amelocerebrohypohidrotic syndrome (KTZS). Also called: KOHLSCHUTTER SYNDROME; Kohlschutter's syndrome; EPILEPSY AND YELLOW TEETH; EPILEPSY, DEMENTIA, AND AMELOGENESIS IMPERFECTA. Identifiers: Orphanet 1946, MedGen C0406740, MONDO:0009185, OMIM 226750.

Submission:

Labcorp Genetics (formerly Invitae), Labcorp
Classification: Uncertain significance for Amelocerebrohypohidrotic syndrome. Last evaluated: 2020-12-23. Review status: criteria provided, single submitter. Criteria: Invitae Variant Classification Sherloc (09022015). Collection method: clinical testing. Allele origin: germline.
Comment: In summary, the available evidence is currently insufficient to determine the role of this variant in disease. Therefore, it has been classified as a Variant of Uncertain Significance. Algorithms developed to predict the effect of missense changes on protein structure and function (SIFT, PolyPhen-2, Align-GVGD) all suggest that this variant is likely to be disruptive, but these predictions have not been confirmed by published functional studies and their clinical significance is uncertain. This variant has not been reported in the literature in individuals with ROGDI-related conditions. The frequency data for this variant in the population databases is considered unreliable, as metrics indicate insufficient coverage at this position in the ExAC database. This sequence change replaces tryptophan with cysteine at codon 21 of the ROGDI protein (p.Trp21Cys). The tryptophan residue is highly conserved and there is a large physicochemical difference between tryptophan and cysteine.